The following is an entry in ClinVar:

ClinVar aggregate classification (germline): Uncertain significance (1 of 4 stars; one submission).

Conditions:
Ataxia-telangiectasia-like disorder (ATLD). Identifiers: MedGen C1858391, MONDO:0011457.

Submission:

Labcorp Genetics (formerly Invitae), Labcorp
Classification: Uncertain significance for Ataxia-telangiectasia-like disorder. Last evaluated: 2024-03-17. Review status: criteria provided, single submitter. Criteria: Invitae Variant Classification Sherloc (09022015). Collection method: clinical testing. Allele origin: germline.
Comment: This sequence change replaces arginine, which is basic and polar, with proline, which is neutral and non-polar, at codon 366 of the MRE11 protein (p.Arg366Pro). Information on the frequency of this variant in the gnomAD database is not available, as this variant may be reported differently in the database. This variant has not been reported in the literature in individuals affected with MRE11-related conditions. An algorithm developed to predict the effect of missense changes on protein structure and function (PolyPhen-2) suggests that this variant is likely to be disruptive. In summary, the available evidence is currently insufficient to determine the role of this variant in disease. Therefore, it has been classified as a Variant of Uncertain Significance.

NM_005591.4(MRE11):c.1097_1098delinsCT (p.Arg366Pro)

Gene: MRE11 (MRE11 double strand break repair nuclease; minus strand). Cytogenetic location: 11q21.
Variant type: Indel.
Coding change: c.1097_1098delinsCT on transcript NM_005591.4 (MANE Select); coding-DNA positions 1097 to 1098, GA replaced by CT.
Protein change: p.Arg366Pro; replaces arginine 366 with proline.
Molecular consequence: missense variant.
Genome position (GRCh38, 1-based): chr11:94,467,813-94,467,814, TC replaced by AG on the plus strand (GA replaced by CT on the coding strand, the reverse complement: MRE11 is on the minus strand). VCF-style: chr11-94467813-TC-AG. GRCh37 (hg19) VCF-style: chr11-94200979-TC-AG.
Other names: c.1097_1098delinsCT, p.Arg366Pro (NM_001330347.2, NM_005590.4); short protein forms R366P.
Identifiers: ClinVar variation 3631593 (VCV003631593.2).